The following is an entry in ClinVar:

NM_001395413.1(POR):c.635T>C (p.Leu212Ser)

Gene: POR (cytochrome p450 oxidoreductase; plus strand). Cytogenetic location: 7q11.23.
Variant type: single nucleotide variant.
Coding change: c.635T>C on transcript NM_001395413.1 (MANE Select); coding-DNA position 635, T replaced by C.
Protein change: p.Leu212Ser; replaces leucine 212 with serine.
Molecular consequence: missense variant.
Genome position (GRCh38, 1-based): chr7:75,981,519, T>C. VCF-style: chr7-75981519-T-C. GRCh37 (hg19) VCF-style: chr7-75610837-T-C.
Other names: c.644T>C (NM_000941.2); c.635T>C, p.Leu212Ser (NM_001367562.3, NM_001382657.2, NM_001382658.3 and 2 more transcripts); c.689T>C, p.Leu230Ser (NM_001382655.3); short protein forms L230S, L212S.
Identifiers: ClinVar variation 3572757 (VCV003572757.2).

ClinVar aggregate classification (germline): Uncertain significance (1 of 4 stars; one submission).

gnomAD v4.1: 2 of 1,611,876 alleles (0.00012%); highest among the groups gnomAD compares: African/African-American, 0.0027%; no homozygotes.

Submission:

GeneDx
Classification: Uncertain significance. Last evaluated: 2026-07-17. Review status: criteria provided, single submitter. Criteria: GeneDx Variant Classification Process June 2021. Collection method: clinical testing. Allele origin: germline.
Comment: In silico analysis supports that this missense variant has a deleterious effect on protein structure/function; Has not been previously published as pathogenic or benign to our knowledge